The following is an entry in ClinVar:

NM_007294.4(BRCA1):c.1039C>T (p.Leu347=)

Gene: BRCA1 (BRCA1 DNA repair associated; minus strand). Cytogenetic location: 17q21.31.
Variant type: single nucleotide variant.
Coding change: c.1039C>T on transcript NM_007294.4 (MANE Select); coding-DNA position 1039, C replaced by T.
Protein change: p.Leu347=; no amino-acid change (leucine 347 retained).
Molecular consequence: synonymous variant. On other transcripts: intron variant (137).
Genome position (GRCh38, 1-based): chr17:43,094,492, G>A on the plus strand (C>T on the coding strand, the complement: BRCA1 is on the minus strand). VCF-style: chr17-43094492-G-A. GRCh37 (hg19) VCF-style: chr17-41246509-G-A.
Other names: c.451+252C>T (NM_001408508.1, NM_001408509.1); c.574+252C>T (NM_001408491.1, NM_001408493.1, NM_001408490.1); c.460+1354C>T (NM_001408506.1, NM_001408507.1); c.577+252C>T (NM_001408481.1, NM_001408480.1, NM_001408492.1 and 9 more transcripts); c.778+252C>T (NM_001408408.1); c.661+252C>T (NM_001408446.1, NM_001408435.1, NM_001408448.1 and 6 more transcripts); c.784+252C>T (NM_001408401.1, NM_001408396.1, NM_001407985.1 and 13 more transcripts); c.548-3460C>T (NM_001408494.1); and 40 more.
Identifiers: ClinVar variation 462544 (VCV000462544.15), dbSNP rs1378561919, ClinGen allele CA500234021.

ClinVar aggregate classification (germline): Likely benign. Review status: criteria provided, multiple submitters, no conflicts (2 of 4 stars). 3 submissions from 3 submitters: Likely benign (3). Last evaluated 2023-10-22.

Conditions:
Hereditary breast ovarian cancer syndrome. Also called: Hereditary breast and ovarian cancer syndrome (HBOC); BRCA1- and BRCA2-Associated Hereditary Breast and Ovarian Cancer; Hereditary breast and/or ovarian cancer syndrome; Hereditary breast and ovarian cancer syndrome; Hereditary breast and ovarian cancer; Breast and ovarian cancer. Identifiers: Orphanet 145, MedGen C0677776, MeSH D061325, MONDO:0003582. Disease mechanism: loss of function.
Hereditary cancer-predisposing syndrome. Also called: Neoplastic Syndromes, Hereditary; Hereditary neoplastic syndrome; Tumor predisposition; Hereditary Cancer Syndrome. Identifiers: Orphanet 140162, MedGen C0027672, MeSH D009386, MONDO:0015356.
Breast-ovarian cancer, familial, susceptibility to, 1 (BROVCA1). Also called: BRCA1 Hereditary Breast and Ovarian Cancer; OVARIAN CANCER, SUSCEPTIBILITY TO. Identifiers: Orphanet 145, MedGen C2676676, MONDO:0011450, OMIM 604370. Disease mechanism: loss of function.

Allele frequency attached by ClinVar (database versions not stated): gnomAD exomes below 0.00001.
gnomAD v4.1: 1 of 1,613,950 alleles (0.000062%); no homozygotes.

Submissions (3):

Labcorp Genetics (formerly Invitae), Labcorp
Classification: Likely benign for Hereditary breast ovarian cancer syndrome. Last evaluated: 2023-10-22. Review status: criteria provided, single submitter. Criteria: Invitae Variant Classification Sherloc (09022015). Collection method: clinical testing. Allele origin: germline.

All of Us Research Program, National Institutes of Health
Classification: Likely benign for Breast-ovarian cancer, familial, susceptibility to, 1. Last evaluated: 2023-05-16. Review status: criteria provided, single submitter. Criteria: ACMG Guidelines, 2015. Collection method: clinical testing. Allele origin: germline. Inheritance: Autosomal dominant inheritance. Observed: 1 variant allele, 1 heterozygote.
Comment: This study involves interpretation of variants in research participants for the purpose of population health screening. Participant phenotype was not available at the time of variant classification. Additional details can be found in publication PMID: 35346344, PMCID: PMC8962531

Ambry Genetics
Classification: Likely benign for Hereditary cancer-predisposing syndrome. Last evaluated: 2022-02-22. Review status: criteria provided, single submitter. Criteria: Ambry Variant Classification Scheme 2023. Collection method: clinical testing. Allele origin: germline.